The following is an entry in ClinVar:

NM_000487.6(ARSA):c.178C>T (p.Arg60Trp)

Gene: ARSA (arylsulfatase A; minus strand). Cytogenetic location: 22q13.33.
Variant type: single nucleotide variant.
Coding change: c.178C>T on transcript NM_000487.6 (MANE Select); coding-DNA position 178, C replaced by T.
Protein change: p.Arg60Trp; replaces arginine 60 with tryptophan.
Molecular consequence: missense variant. On other transcripts: intron variant (2).
Genome position (GRCh38, 1-based): chr22:50,627,602, G>A on the plus strand (C>T on the coding strand, the complement: ARSA is on the minus strand). VCF-style: chr22-50627602-G-A. GRCh37 (hg19) VCF-style: chr22-51066030-G-A.
Other names: c.178C>T, p.Arg60Trp (NM_001085425.3, NM_001085426.3, NM_001085427.3); c.-34-196C>T (NM_001362782.2, NM_001085428.3); short protein forms R60W.
Identifiers: ClinVar variation 1194838 (VCV001194838.10), dbSNP rs867538940, ClinGen allele CA325531670.

ClinVar aggregate classification (germline): Pathogenic/Likely pathogenic. Review status: criteria provided, multiple submitters, no conflicts (2 of 4 stars). 6 submissions from 6 submitters: Pathogenic (2); Likely pathogenic (4). Last evaluated 2025-11-03.

Conditions:
Metachromatic leukodystrophy (MLD). Also called: Arylsulfatase A Deficiency; ARSA DEFICIENCY; CEREBROSIDE SULFATASE DEFICIENCY; METACHROMATIC LEUKOENCEPHALOPATHY; SULFATIDE LIPIDOSIS; Cerebral sclerosis diffuse metachromatic form. Identifiers: Orphanet 512, MedGen C0023522, MONDO:0018868, OMIM 250100.

Allele frequency attached by ClinVar (database versions not stated): gnomAD exomes below 0.00001 and 0.00001; TOPMed 0.00001.

Submissions (7):

Labcorp Genetics (formerly Invitae), Labcorp
Classification: Pathogenic for Metachromatic leukodystrophy. Last evaluated: 2025-11-03. Review status: criteria provided, single submitter. Criteria: Invitae Variant Classification Sherloc (09022015). Collection method: clinical testing. Allele origin: germline.
Comment: This sequence change replaces arginine, which is basic and polar, with tryptophan, which is neutral and slightly polar, at codon 60 of the ARSA protein (p.Arg60Trp). The frequency data for this variant in the population databases is considered unreliable, as metrics indicate poor data quality at this position in the gnomAD database. This missense change has been observed in individual(s) with clinical features of ARSA-related conditions (PMID: 31922725, 39473378). ClinVar contains an entry for this variant (Variation ID: 1194838). Invitae Evidence Modeling of protein sequence and biophysical properties (such as structural, functional, and spatial information, amino acid conservation, physicochemical variation, residue mobility, and thermodynamic stability) indicates that this missense variant is expected to disrupt ARSA protein function with a positive predictive value of 95%. This variant disrupts the p.Arg60 amino acid residue in ARSA. Other variant(s) that disrupt this residue have been observed in individuals with ARSA-related conditions (PMID: 33185815), which suggests that this may be a clinically significant amino acid residue. For these reasons, this variant has been classified as Pathogenic.

Myriad Genetics, Inc.
Classification: Likely pathogenic for Metachromatic leukodystrophy. Last evaluated: 2025-01-24. Review status: criteria provided, single submitter. Criteria: Myriad Autosomal Dominant, Autosomal Recessive and X-Linked Classification Criteria (2023). Collection method: clinical testing. Allele origin: unknown.
Comment: NM_000487.5(ARSA):c.178C>T(R60W) is a missense variant classified as likely pathogenic in the context of metachromatic leukodystrophy. R60W has been observed in cases with relevant disease (PMID: 39473378, 31922725). Relevant functional assessments of this variant are available in the literature (PMID: 37480112). R60W has been observed in referenced population frequency databases. In summary, NM_000487.5(ARSA):c.178C>T(R60W) is a missense variant that has functional support for pathogenicity and has been observed more frequently in cases with the relevant disease than in healthy populations. Please note: this variant was assessed in the context of healthy population screening.

Natera, Inc.
Classification: Likely pathogenic for Metachromatic leukodystrophy. Last evaluated: 2024-09-03. Review status: criteria provided, single submitter. Criteria: Natera Variant Classification Schema (03/2026). Collection method: clinical testing. Allele origin: germline.
Comment: The c.178C>T variant in ARSA is a missense variant predicted to cause substitution of arginine to tryptophan at amino acid 60. This variant is rare in the general population with a frequency below the threshold expected for the associated phenotype(s). This variant has been observed in one or more individuals affected with the associated recessive disease, as either homozygous or compound heterozygous with a second variant (PMID: 31922725). This variant has been identified in one or more affected individual with a phenotype highly consistent with the associated gene (PMID: 31922725). Functional studies show that this variant may disrupt protein function (PMID: 31922725). Computational prediction algorithms indicate this variant is likely to affect gene or protein function. Given the available evidence, this variant is classified as Likely Pathogenic.

Fulgent Genetics
Classification: Likely pathogenic for Metachromatic leukodystrophy. Last evaluated: 2024-01-20. Review status: criteria provided, single submitter. Criteria: ACMG Guidelines, 2015. Collection method: clinical testing. Allele origin: germline.

Women's Health and Genetics/Laboratory Corporation of America, LabCorp
Classification: Pathogenic for Metachromatic leukodystrophy. Last evaluated: 2023-09-20. Review status: criteria provided, single submitter. Criteria: LabCorp Variant Classification Summary - May 2015. Collection method: clinical testing. Allele origin: germline.
Comment: Variant summary: ARSA c.178C>T (p.Arg60Trp) results in a non-conservative amino acid change in the encoded protein sequence, altering a highly conserved residue in which another missense change has been found in association with disease (HGMD). Four of four in-silico tools predict a damaging effect of the variant on protein function. The variant allele was found at a frequency of 5.8e-06 in 171910 control chromosomes (gnomAD). c.178C>T has been reported in the literature in homozygous individuals affected with Metachromatic Leukodystrophy showing impaired ARSA activity (Hong_2020, Pappas_2022). These data indicate that the variant is very likely to be associated with disease. The following publication has been ascertained in the context of this evaluation (PMID: 31922725). One submitter has cited a clinical-significance assessment for this variant to ClinVar after 2014 and has classified the variant as likely pathogenic. Based on the evidence outlined above, the variant was classified as pathogenic.

GeneDx
Classification: Likely pathogenic. Last evaluated: 2020-06-15. Review status: criteria provided, single submitter. Criteria: GeneDx Variant Classification Process June 2021. Collection method: clinical testing. Allele origin: germline. Affected: yes.
Comment: Not observed at a significant frequency in large population cohorts (Lek et al., 2016); In silico analysis, which includes protein predictors and evolutionary conservation, supports a deleterious effect; Has not been previously published as pathogenic or benign to our knowledge; This variant is associated with the following publications: (PMID: 31922725)

Gelb Laboratory, University of Washington
No classification provided (evidence only). Condition: Metachromatic leukodystrophy. Review status: no classification provided. Collection method: in vitro. Allele origin: not applicable. Functional consequence: loss of function. Not counted in ClinVar's aggregate classification.

Literature cited by the submitters: PubMed 31922725 (cited by 4 submitters); PubMed 39473378 (cited by Labcorp Genetics (formerly Invitae), Labcorp and Myriad Genetics, Inc.); PubMed 33185815 (cited by Labcorp Genetics (formerly Invitae), Labcorp); PubMed 37480112 (cited by Myriad Genetics, Inc.).